The following is an entry in ClinVar:

NM_020806.5(GPHN):c.64+6C>T

Gene: GPHN (gephyrin; plus strand). Cytogenetic location: 14q23.3.
Variant type: single nucleotide variant.
Coding change: c.64+6C>T on transcript NM_020806.5 (MANE Select); 6 bases into the intron after coding-DNA position 64, C replaced by T.
Molecular consequence: intron variant.
Genome position (GRCh38, 1-based): chr14:66,508,597, C>T. VCF-style: chr14-66508597-C-T. GRCh37 (hg19) VCF-style: chr14-66975315-C-T.
Other names: c.64+6C>T (NM_001377514.1, NM_001377519.1, NM_001377515.1 and 4 more transcripts).
Identifiers: ClinVar variation 2035152 (VCV002035152.4), dbSNP rs750672147, ClinGen allele CA614887302.

ClinVar aggregate classification (germline): Uncertain significance (1 of 4 stars; one submission).

Conditions:
Sulfite oxidase deficiency due to molybdenum cofactor deficiency type C. Also called: Molybdenum cofactor deficiency C; Molybdenum cofactor deficiency, complementation group C. Identifiers: Orphanet 308400, Orphanet 833, MedGen C1854990, MONDO:0014212, OMIM 615501.

Submission:

Labcorp Genetics (formerly Invitae), Labcorp
Classification: Uncertain significance for Sulfite oxidase deficiency due to molybdenum cofactor deficiency type C. Last evaluated: 2023-08-10. Review status: criteria provided, single submitter. Criteria: Invitae Variant Classification Sherloc (09022015). Collection method: clinical testing. Allele origin: germline.
Comment: This sequence change falls in intron 1 of the GPHN gene. It does not directly change the encoded amino acid sequence of the GPHN protein. It affects a nucleotide within the consensus splice site. This variant is present in population databases (no rsID available, gnomAD 0.01%). This variant has not been reported in the literature in individuals affected with GPHN-related conditions. ClinVar contains an entry for this variant (Variation ID: 2035152). Variants that disrupt the consensus splice site are a relatively common cause of aberrant splicing (PMID: 17576681, 9536098). Algorithms developed to predict the effect of sequence changes on RNA splicing suggest that this variant is not likely to affect RNA splicing. In summary, the available evidence is currently insufficient to determine the role of this variant in disease. Therefore, it has been classified as a Variant of Uncertain Significance.

Literature cited by the submitters: PubMed 17576681; PubMed 9536098.